The following is an entry in ClinVar:

NM_001367561.1(DOCK7):c.1682+10709C>T

Gene: DOCK7 (dedicator of cytokinesis 7; minus strand). Cytogenetic location: 1p31.3.
Variant type: single nucleotide variant.
Coding change: c.1682+10709C>T on transcript NM_001367561.1 (MANE Select); 10709 bases into the intron after coding-DNA position 1682, C replaced by T.
Molecular consequence: intron variant.
Genome position (GRCh38, 1-based): chr1:62,607,997, G>A on the plus strand (C>T on the coding strand, the complement: DOCK7 is on the minus strand). VCF-style: chr1-62607997-G-A. GRCh37 (hg19) VCF-style: chr1-63073668-G-A.
Other names: c.1682+10709C>T (NM_001272001.2, NM_001272000.2, NM_033407.4 and 3 more transcripts).
Identifiers: ClinVar variation 4873539 (VCV004873539.2).
Genomic context (GRCh38, chr1:62,607,997, plus strand): 5'-CTGGGTGTGGTGGCAGGTGCCTGTAATCCCAACTACTTGGGAGGCTGAGGCAGGAGAATC[G>A]CTGGAGCCTGGGAAGTCAAGCCTGCAGCGAACCATGATCCTAACACTGCATTCTAGCCTG-3'

ClinVar aggregate classification (germline): Likely benign (1 of 4 stars; one submission).

Submission:

CeGaT Center for Human Genetics Tuebingen
Classification: Likely benign. Last evaluated: 2026-06-01. Review status: criteria provided, single submitter. Criteria: CeGaT Center For Human Genetics Tuebingen Variant Classification Criteria Version 2. Collection method: clinical testing. Allele origin: germline. Affected: yes. Observed: 1 variant allele.
Comment: AL138847.1: BP4, BP7